The following is an entry in ClinVar:

NM_000179.3(MSH6):c.736A>T (p.Lys246Ter)

Gene: MSH6 (mutS homolog 6; plus strand). Cytogenetic location: 2p16.3.
Variant type: single nucleotide variant.
Coding change: c.736A>T on transcript NM_000179.3 (MANE Select); coding-DNA position 736, A replaced by T.
Protein change: p.Lys246Ter; replaces lysine 246 with a stop codon.
Molecular consequence: nonsense. On other transcripts: 5 prime UTR variant (2).
Genome position (GRCh38, 1-based): chr2:47,798,719, A>T. VCF-style: chr2-47798719-A-T. GRCh37 (hg19) VCF-style: chr2-48025858-A-T.
Other names: c.346A>T, p.Lys116Ter (NM_001281492.2); c.-171A>T (NM_001281493.2, NM_001281494.2); short protein forms K116*, K246*.
Identifiers: ClinVar variation 1354770 (VCV001354770.6), dbSNP rs1572720148, ClinGen allele CA346740064.

ClinVar aggregate classification (germline): Pathogenic (1 of 4 stars; one submission).

Conditions:
Hereditary nonpolyposis colorectal neoplasms. Identifiers: MedGen C0009405, MeSH D003123.

Submission:

Labcorp Genetics (formerly Invitae), Labcorp
Classification: Pathogenic for Hereditary nonpolyposis colorectal neoplasms. Last evaluated: 2021-05-20. Review status: criteria provided, single submitter. Criteria: Invitae Variant Classification Sherloc (09022015). Collection method: clinical testing. Allele origin: germline.
Comment: This variant is not present in population databases (ExAC no frequency). This sequence change creates a premature translational stop signal (p.Lys246*) in the MSH6 gene. It is expected to result in an absent or disrupted protein product. Loss-of-function variants in MSH6 are known to be pathogenic (PMID: 18269114, 24362816). For these reasons, this variant has been classified as Pathogenic. This variant has not been reported in the literature in individuals with MSH6-related conditions.

Literature cited by the submitters: PubMed 18269114; PubMed 24362816.